The following is an entry in ClinVar:

NM_012186.3(FOXE3):c.539C>G (p.Pro180Arg)

Genes: FOXE3 (forkhead box E3; plus strand), LINC01389 (long independently transcribed non-coding RNA 1389; minus strand). Cytogenetic location: 1p33.
Variant type: single nucleotide variant.
Coding change: c.539C>G on transcript NM_012186.3 (MANE Select); coding-DNA position 539, C replaced by G.
Protein change: p.Pro180Arg; replaces proline 180 with arginine.
Molecular consequence: missense variant.
Genome position (GRCh38, 1-based): chr1:47,416,854, C>G. VCF-style: chr1-47416854-C-G. GRCh37 (hg19) VCF-style: chr1-47882526-C-G.
Other names: short protein forms P180R.
Identifiers: ClinVar variation 4792359 (VCV004792359.1).

ClinVar aggregate classification (germline): Uncertain significance (1 of 4 stars; one submission).

Conditions:
Anterior segment dysgenesis. Also called: Ocular anterior segment dysgenesis. Identifiers: Orphanet 88632, MedGen C1862839, MONDO:0019503, HP:0007700.
Congenital primary aphakia. Also called: Anterior segment dysgenesis 2, multiple subtypes; ANTERIOR SEGMENT DYSGENESIS 2. Identifiers: Orphanet 83461, MedGen C1853230, MONDO:0012456, OMIM 610256.

Submission:

Labcorp Genetics (formerly Invitae), Labcorp
Classification: Uncertain significance for Anterior segment dysgenesis; Congenital primary aphakia. Last evaluated: 2025-11-27. Review status: criteria provided, single submitter. Criteria: Invitae Variant Classification Sherloc (09022015). Collection method: clinical testing. Allele origin: germline.
Comment: This sequence change replaces proline, which is neutral and non-polar, with arginine, which is basic and polar, at codon 180 of the FOXE3 protein (p.Pro180Arg). This variant is not present in population databases (gnomAD no frequency). This variant has not been reported in the literature in individuals affected with FOXE3-related conditions. Invitae Evidence Modeling of protein sequence and biophysical properties (such as structural, functional, and spatial information, amino acid conservation, physicochemical variation, residue mobility, and thermodynamic stability) indicates that this missense variant is not expected to disrupt FOXE3 protein function with a negative predictive value of 80%. In summary, the available evidence is currently insufficient to determine the role of this variant in disease. Therefore, it has been classified as a Variant of Uncertain Significance.